The following is an entry in ClinVar:

NM_000441.2(SLC26A4):c.1570A>C (p.Ile524Leu)

Gene: SLC26A4 (solute carrier family 26 member 4; plus strand). Cytogenetic location: 7q22.3.
Variant type: single nucleotide variant.
Coding change: c.1570A>C on transcript NM_000441.2 (MANE Select); coding-DNA position 1570, A replaced by C.
Protein change: p.Ile524Leu; replaces isoleucine 524 with leucine.
Molecular consequence: missense variant.
Genome position (GRCh38, 1-based): chr7:107,698,067, A>C. VCF-style: chr7-107698067-A-C. GRCh37 (hg19) VCF-style: chr7-107338512-A-C.
Other names: short protein forms I524L.
Identifiers: ClinVar variation 505231 (VCV000505231.5), dbSNP rs1163642957, ClinGen allele CA501109.

ClinVar aggregate classification (germline): Uncertain significance (1 of 4 stars; one submission).

Allele frequency attached by ClinVar (database versions not stated): TOPMed below 0.00001 and 0.00001.
gnomAD v4.1: 3 of 1,610,828 alleles (0.00019%); highest among the groups gnomAD compares: Non-Finnish European, 0.00025%; no homozygotes.

Submission:

Laboratory for Molecular Medicine, Mass General Brigham Personalized Medicine
Classification: Uncertain significance. Last evaluated: 2016-08-16. Review status: criteria provided, single submitter. Criteria: LMM Criteria. Collection method: clinical testing. Allele origin: germline. Observed: 1 variant allele.
Comment: The p.Ile524Leu variant in SLC26A4 has not been previously reported in individua ls with hearing loss or in large population studies. Computational prediction to ols and conservation analyses suggest that this variant may not impact the prote in, though this information is not predictive enough to rule out pathogenicity. In summary, the clinical significance of the p.Ile524Leu variant is uncertain.